The following is an entry in ClinVar:

NM_000038.6(APC):c.5063A>G (p.Asp1688Gly)

Gene: APC (APC regulator of Wnt signaling pathway; plus strand). Cytogenetic location: 5q22.2.
Variant type: single nucleotide variant.
Coding change: c.5063A>G on transcript NM_000038.6 (MANE Select); coding-DNA position 5063, A replaced by G.
Protein change: p.Asp1688Gly; replaces aspartic acid 1688 with glycine.
Molecular consequence: missense variant.
Genome position (GRCh38, 1-based): chr5:112,840,657, A>G. VCF-style: chr5-112840657-A-G. GRCh37 (hg19) VCF-style: chr5-112176354-A-G.
Other names: c.5063A>G, p.Asp1688Gly (NM_001127510.3, NM_001354895.2, NM_001407450.1); c.5009A>G, p.Asp1670Gly (NM_001127511.3); c.5117A>G, p.Asp1706Gly (NM_001354896.2, NM_001407447.1, NM_001407448.1 and 1 more transcripts); c.5093A>G, p.Asp1698Gly (NM_001354897.2); c.4988A>G, p.Asp1663Gly (NM_001354898.2); c.4979A>G, p.Asp1660Gly (NM_001354899.2); c.4940A>G, p.Asp1647Gly (NM_001354900.2); c.4886A>G, p.Asp1629Gly (NM_001354901.2, NM_001407453.1); and 11 more; short protein forms D1304G, D1528G, D1663G, D1706G, D1716G, D1405G, D1562G, D1587G.
Identifiers: ClinVar variation 2059350 (VCV002059350.4), dbSNP rs1452639208, ClinGen allele CA16032405.

ClinVar aggregate classification (germline): Uncertain significance (1 of 4 stars; one submission).

Conditions:
Familial adenomatous polyposis 1 (FAP1). Also called: POLYPOSIS, ADENOMATOUS INTESTINAL; FAMILIAL ADENOMATOUS POLYPOSIS 1, ATTENUATED. Identifiers: MedGen C2713442, MONDO:0021056, OMIM 175100. Disease mechanism: loss of function.

Allele frequency attached by ClinVar (database versions not stated): gnomAD exomes below 0.00001.
gnomAD v4.1: 1 of 1,614,036 alleles (0.000062%); highest among the groups gnomAD compares: Admixed American, 0.0017%; no homozygotes.

Submission:

Labcorp Genetics (formerly Invitae), Labcorp
Classification: Uncertain significance for Familial adenomatous polyposis 1. Last evaluated: 2024-08-11. Review status: criteria provided, single submitter. Criteria: Invitae Variant Classification Sherloc (09022015). Collection method: clinical testing. Allele origin: germline.
Comment: This sequence change replaces aspartic acid, which is acidic and polar, with glycine, which is neutral and non-polar, at codon 1688 of the APC protein (p.Asp1688Gly). This variant is present in population databases (no rsID available, gnomAD 0.003%). This variant has not been reported in the literature in individuals affected with APC-related conditions. ClinVar contains an entry for this variant (Variation ID: 2059350). Advanced modeling of protein sequence and biophysical properties (such as structural, functional, and spatial information, amino acid conservation, physicochemical variation, residue mobility, and thermodynamic stability) performed at Invitae indicates that this missense variant is not expected to disrupt APC protein function with a negative predictive value of 95%. In summary, the available evidence is currently insufficient to determine the role of this variant in disease. Therefore, it has been classified as a Variant of Uncertain Significance.